The following is an entry in ClinVar:

NM_001330588.2(TPP2):c.3680A>G (p.Asn1227Ser)

Gene: TPP2 (tripeptidyl peptidase 2; plus strand). Cytogenetic location: 13q33.1.
Variant type: single nucleotide variant.
Coding change: c.3680A>G on transcript NM_001330588.2 (MANE Select); coding-DNA position 3680, A replaced by G.
Protein change: p.Asn1227Ser; replaces asparagine 1227 with serine.
Molecular consequence: missense variant. On other transcripts: non-coding transcript variant (1).
Genome position (GRCh38, 1-based): chr13:102,676,396, A>G. VCF-style: chr13-102676396-A-G. GRCh37 (hg19) VCF-style: chr13-103328746-A-G.
Other names: c.3680A>G, p.Asn1227Ser (LRG_1341t1); c.3767A>G, p.Asn1256Ser (NM_001367947.1); c.3641A>G, p.Asn1214Ser (NM_003291.4); short protein forms N1214S, N1227S, N1256S.
Identifiers: ClinVar variation 569283 (VCV000569283.9), dbSNP rs200802216, ClinGen allele CA7038330.

ClinVar aggregate classification (germline): Uncertain significance. Review status: criteria provided, multiple submitters, no conflicts (2 of 4 stars). 2 submissions from 2 submitters: Uncertain significance (2). Last evaluated 2025-11-11.

Conditions:
Evans syndrome, immunodeficiency, and premature immunosenescence associated with tripeptidyl-peptidase II deficiency. Identifiers: MedGen CN231723. Disease mechanism: loss of function.
Inborn genetic diseases. Identifiers: MedGen C0950123, MeSH D030342.

Allele frequency attached by ClinVar (database versions not stated): gnomAD 0.00015; gnomAD exomes 0.00031 and 0.00009; ExAC 0.00010; ESP Exome Variant Server 0.00023; TOPMed 0.00012.
gnomAD v4.1: 475 of 1,610,604 alleles (0.029%); highest among the groups gnomAD compares: Non-Finnish European, 0.037%; no homozygotes.

Submissions (2):

Ambry Genetics
Classification: Uncertain significance for Inborn genetic diseases. Last evaluated: 2025-11-11. Review status: criteria provided, single submitter. Criteria: Ambry Variant Classification Scheme 2023. Collection method: clinical testing. Allele origin: germline.

Labcorp Genetics (formerly Invitae), Labcorp
Classification: Uncertain significance for Evans syndrome, immunodeficiency, and premature immunosenescence associated with tripeptidyl-peptidase II deficiency. Last evaluated: 2025-01-20. Review status: criteria provided, single submitter. Criteria: Invitae Variant Classification Sherloc (09022015). Collection method: clinical testing. Allele origin: germline.
Comment: This sequence change replaces asparagine, which is neutral and polar, with serine, which is neutral and polar, at codon 1214 of the TPP2 protein (p.Asn1214Ser). This variant is present in population databases (rs200802216, gnomAD 0.02%). This variant has not been reported in the literature in individuals affected with TPP2-related conditions. ClinVar contains an entry for this variant (Variation ID: 569283). An algorithm developed to predict the effect of missense changes on protein structure and function (PolyPhen-2) suggests that this variant¬†is likely to be tolerated. In summary, the available evidence is currently insufficient to determine the role of this variant in disease. Therefore, it has been classified as a Variant of Uncertain Significance.